The following is an entry in ClinVar:

ClinVar aggregate classification (germline): Uncertain significance. Review status: criteria provided, multiple submitters, no conflicts (2 of 4 stars). 4 submissions from 4 submitters: Uncertain significance (4). Last evaluated 2025-10-18.

Conditions:
Inborn genetic diseases. Identifiers: MedGen C0950123, MeSH D030342.

Allele frequency attached by ClinVar (database versions not stated): TOPMed 0.00002; 1000 Genomes Project 30x 0.00016.
gnomAD v4.1: 34 of 1,610,796 alleles (0.0021%); highest among the groups gnomAD compares: Non-Finnish European, 0.0027%; no homozygotes.

Submissions (4):

Ambry Genetics
Classification: Uncertain significance for Inborn genetic diseases. Last evaluated: 2025-10-18. Review status: criteria provided, single submitter. Criteria: Ambry Variant Classification Scheme 2023. Collection method: clinical testing. Allele origin: germline.

Labcorp Genetics (formerly Invitae), Labcorp
Classification: Uncertain significance. Last evaluated: 2022-11-08. Review status: criteria provided, single submitter. Criteria: Invitae Variant Classification Sherloc (09022015). Collection method: clinical testing. Allele origin: germline.
Comment: This sequence change replaces serine, which is neutral and polar, with asparagine, which is neutral and polar, at codon 689 of the ITPR1 protein (p.Ser689Asn). The frequency data for this variant in the population databases is considered unreliable, as metrics indicate poor data quality at this position in the gnomAD database. This variant has not been reported in the literature in individuals affected with ITPR1-related conditions. ClinVar contains an entry for this variant (Variation ID: 586043). Advanced modeling of protein sequence and biophysical properties (such as structural, functional, and spatial information, amino acid conservation, physicochemical variation, residue mobility, and thermodynamic stability) performed at Invitae indicates that this missense variant is not expected to disrupt ITPR1 protein function. In summary, the available evidence is currently insufficient to determine the role of this variant in disease. Therefore, it has been classified as a Variant of Uncertain Significance.

GeneDx
Classification: Uncertain significance. Last evaluated: 2022-03-04. Review status: criteria provided, single submitter. Criteria: GeneDx Variant Classification Process June 2021. Collection method: clinical testing. Allele origin: germline. Affected: yes.
Comment: In silico analysis supports that this missense variant does not alter protein structure/function; Has not been previously published as pathogenic or benign to our knowledge

Athena Diagnostics
Classification: Uncertain significance. Last evaluated: 2017-10-18. Review status: criteria provided, single submitter. Criteria: Athena Diagnostics Criteria. Collection method: clinical testing. Allele origin: germline.

NM_001378452.1(ITPR1):c.2111G>A (p.Ser704Asn)

Gene: ITPR1 (inositol 1,4,5-trisphosphate receptor type 1; plus strand). Cytogenetic location: 3p26.1.
Variant type: single nucleotide variant.
Coding change: c.2111G>A on transcript NM_001378452.1 (MANE Select); coding-DNA position 2111, G replaced by A.
Protein change: p.Ser704Asn; replaces serine 704 with asparagine.
Molecular consequence: missense variant.
Genome position (GRCh38, 1-based): chr3:4,670,833, G>A. VCF-style: chr3-4670833-G-A. GRCh37 (hg19) VCF-style: chr3-4712517-G-A.
Other names: c.2111G>A, p.Ser704Asn (NM_001099952.4); c.2066G>A, p.Ser689Asn (NM_001168272.2, NM_002222.7); short protein forms S689N, S704N.
Identifiers: ClinVar variation 586043 (VCV000586043.10), dbSNP rs373694009, ClinGen allele CA2231345.